The following is an entry in ClinVar:

ClinVar aggregate classification (germline): Uncertain significance (1 of 4 stars; one submission).

Allele frequency attached by ClinVar (database versions not stated): gnomAD 0.00001; TOPMed 0.00001.
gnomAD v4.1: 5 of 1,598,954 alleles (0.00031%); highest among the groups gnomAD compares: Non-Finnish European, 0.00042%; no homozygotes.

Submission:

GeneDx
Classification: Uncertain significance. Last evaluated: 2020-08-28. Review status: criteria provided, single submitter. Criteria: GeneDx Variant Classification Process June 2021. Collection method: clinical testing. Allele origin: germline. Affected: yes.
Comment: Not observed in large population cohorts (Lek et al., 2016); In silico analysis, which includes protein predictors and evolutionary conservation, supports a deleterious effect; Has not been previously published as pathogenic or benign to our knowledge

NM_001170629.2(CHD8):c.493C>T (p.Pro165Ser)

Gene: CHD8 (chromodomain helicase DNA binding protein 8; minus strand). Cytogenetic location: 14q11.2.
Variant type: single nucleotide variant.
Coding change: c.493C>T on transcript NM_001170629.2 (MANE Select); coding-DNA position 493, C replaced by T.
Protein change: p.Pro165Ser; replaces proline 165 with serine.
Molecular consequence: missense variant. On other transcripts: intron variant (1).
Genome position (GRCh38, 1-based): chr14:21,431,151, G>A on the plus strand (C>T on the coding strand, the complement: CHD8 is on the minus strand). VCF-style: chr14-21431151-G-A. GRCh37 (hg19) VCF-style: chr14-21899310-G-A.
Other names: c.6+660C>T (NM_020920.4); short protein forms P165S.
Identifiers: ClinVar variation 1306803 (VCV001306803.2), dbSNP rs1011766590, ClinGen allele CA257558395.
Genomic context (GRCh38, chr14:21,431,151, plus strand): 5'-TGGTGATACCTTGGGCCTGAATTTGTGCCACATGGGCACCAGTGACTGAGGAGCTTGGTG[G>A]GGCCTTAAGGATAACAATCTTAGGGGCTGACTGAGGTGGCTGCCCTCCAGCACTACTGGA-3'
Protein context (NP_001164100.1, residues 155-175): SAPKIVILKA[Pro165Ser]PSSSVTGAHV